The following is an entry in ClinVar:

NM_001004334.4(GPR179):c.6367C>G (p.Pro2123Ala)

Gene: GPR179 (G protein-coupled receptor 179; minus strand). Cytogenetic location: 17q12.
Variant type: single nucleotide variant.
Coding change: c.6367C>G on transcript NM_001004334.4 (MANE Select); coding-DNA position 6367, C replaced by G.
Protein change: p.Pro2123Ala; replaces proline 2123 with alanine.
Molecular consequence: missense variant.
Genome position (GRCh38, 1-based): chr17:38,327,202, G>C on the plus strand (C>G on the coding strand, the complement: GPR179 is on the minus strand). VCF-style: chr17-38327202-G-C. GRCh37 (hg19) VCF-style: chr17-36483085-G-C.
Other names: c.6367C>G (NM_001004334.2); short protein forms P2123A.
Identifiers: ClinVar variation 1501548 (VCV001501548.5), dbSNP rs373508796, ClinGen allele CA290102991.

ClinVar aggregate classification (germline): Uncertain significance. Review status: criteria provided, multiple submitters, no conflicts (2 of 4 stars). 3 submissions from 3 submitters: Uncertain significance (3). Last evaluated 2024-10-07.

Conditions:
Inborn genetic diseases. Identifiers: MedGen C0950123, MeSH D030342.

Allele frequency attached by ClinVar (database versions not stated): gnomAD 0.00001; ExAC 0.00002; TOPMed 0.00003; gnomAD exomes 0.00004; ESP Exome Variant Server 0.00008.

Submissions (3):

Blueprint Genetics
Classification: Uncertain significance. Last evaluated: 2024-10-07. Review status: criteria provided, single submitter. Criteria: ACMG Guidelines, 2015. Collection method: clinical testing. Allele origin: germline.

Ambry Genetics
Classification: Uncertain significance for Inborn genetic diseases. Last evaluated: 2024-01-23. Review status: criteria provided, single submitter. Criteria: Ambry Variant Classification Scheme 2023. Collection method: clinical testing. Allele origin: germline.

Labcorp Genetics (formerly Invitae), Labcorp
Classification: Uncertain significance. Last evaluated: 2021-08-09. Review status: criteria provided, single submitter. Criteria: Invitae Variant Classification Sherloc (09022015). Collection method: clinical testing. Allele origin: germline.
Comment: This sequence change replaces proline with alanine at codon 2123 of the GPR179 protein (p.Pro2123Ala). The proline residue is weakly conserved and there is a small physicochemical difference between proline and alanine. This variant is present in population databases (rs373508796, ExAC 0.004%). This variant has not been reported in the literature in individuals affected with GPR179-related conditions. Algorithms developed to predict the effect of missense changes on protein structure and function are either unavailable or do not agree on the potential impact of this missense change (SIFT: "Deleterious"; PolyPhen-2: "Possibly Damaging"; Align-GVGD: "Class C0"). In summary, the available evidence is currently insufficient to determine the role of this variant in disease. Therefore, it has been classified as a Variant of Uncertain Significance.